The following is an entry in ClinVar:

ClinVar aggregate classification (germline): Uncertain significance (1 of 4 stars; one submission).

gnomAD v4.1: 3 of 1,613,906 alleles (0.00019%); highest among the groups gnomAD compares: Non-Finnish European, 0.00025%; no homozygotes.

Submission:

Women's Health and Genetics/Laboratory Corporation of America, LabCorp
Classification: Uncertain significance. Last evaluated: 2025-02-17. Review status: criteria provided, single submitter. Criteria: LabCorp Variant Classification Summary - May 2015. Collection method: clinical testing. Allele origin: germline.
Comment: Variant summary: NLRP3 c.598G>C (p.Val200Leu) results in a conservative amino acid change located in the NACHT-associated domain (IPR029495) of the encoded protein sequence. Four of four in-silico tools predict a benign effect of the variant on protein function. The variant allele was found at a frequency of 4e-06 in 251192 control chromosomes. The available data on variant occurrences in the general population are insufficient to allow any conclusion about variant significance. To our knowledge, no occurrence of c.598G>C in individuals affected with Cryopyrin Associated Periodic Syndrome and no experimental evidence demonstrating its impact on protein function have been reported. No submitters have cited clinical-significance assessments for this variant to ClinVar. Based on the evidence outlined above, the variant was classified as uncertain significance.

NM_001243133.2(NLRP3):c.592G>C (p.Val198Leu)

Gene: NLRP3 (NLR family pyrin domain containing 3; plus strand). Cytogenetic location: 1q44.
Variant type: single nucleotide variant.
Coding change: c.592G>C on transcript NM_001243133.2 (MANE Select); coding-DNA position 592, G replaced by C.
Protein change: p.Val198Leu; replaces valine 198 with leucine.
Molecular consequence: missense variant.
Genome position (GRCh38, 1-based): chr1:247,424,041, G>C. VCF-style: chr1-247424041-G-C. GRCh37 (hg19) VCF-style: chr1-247587343-G-C.
Other names: c.592G>C, p.Val198Leu (NM_001079821.3, NM_001127461.3, NM_001127462.3 and 1 more transcripts); c.598G>C, p.Val200Leu (NM_004895.5); short protein forms V198L, V200L.
Identifiers: ClinVar variation 3769031 (VCV003769031.1).